The following is an entry in ClinVar:

ClinVar aggregate classification (germline): Uncertain significance (1 of 4 stars; one submission).

Submission:

Labcorp Genetics (formerly Invitae), Labcorp
Classification: Uncertain significance. Last evaluated: 2022-02-02. Review status: criteria provided, single submitter. Criteria: Invitae Variant Classification Sherloc (09022015). Collection method: clinical testing. Allele origin: germline.
Comment: In summary, the available evidence is currently insufficient to determine the role of this variant in disease. Therefore, it has been classified as a Variant of Uncertain Significance. Algorithms developed to predict the effect of missense changes on protein structure and function are either unavailable or do not agree on the potential impact of this missense change (SIFT: "Not Available"; PolyPhen-2: "Benign"; Align-GVGD: "Not Available"). This variant has not been reported in the literature in individuals affected with DEF6-related conditions. Information on the frequency of this variant in the gnomAD database is not available, as this variant may be reported differently in the database. This sequence change replaces asparagine, which is neutral and polar, with alanine, which is neutral and non-polar, at codon 287 of the DEF6 protein (p.Asn287Ala).

NM_022047.4(DEF6):c.859_860delinsGC (p.Asn287Ala)

Gene: DEF6 (DEF6 guanine nucleotide exchange factor; plus strand). Cytogenetic location: 6p21.31.
Variant type: Indel.
Coding change: c.859_860delinsGC on transcript NM_022047.4 (MANE Select); coding-DNA positions 859 to 860, AA replaced by GC.
Protein change: p.Asn287Ala; replaces asparagine 287 with alanine.
Molecular consequence: missense variant.
Genome position (GRCh38, 1-based): chr6:35,317,942-35,317,943, AA replaced by GC. VCF-style: chr6-35317942-AA-GC. GRCh37 (hg19) VCF-style: chr6-35285719-AA-GC.
Other names: short protein forms N287A.
Identifiers: ClinVar variation 2091832 (VCV002091832.4), dbSNP rs2534188908, ClinGen allele CA2580074416.
Genomic context (GRCh38, chr6:35,317,942, plus strand): 5'-CTGTGCCAGGTGCTGCCAGACCGCGACGGAAAGCGCTGCATGTTCTGTGTGAAGACAGCC[AA>GC]CCGCACGTATGAGATGAGCGCCTCAGACACGCGCCAGCGCCAGGAGTGGACAGCTGGTGA-3'
Protein context (NP_071330.3, residues 277-297): KRCMFCVKTA[Asn287Ala]RTYEMSASDT